The following is an entry in ClinVar:

ClinVar aggregate classification (germline): Uncertain significance (1 of 4 stars; one submission).

Conditions:
Pityriasis rubra pilaris (PRP). Also called: Pityriasis rubra pilaris--familial type. Identifiers: Orphanet 2897, MedGen C0032027, MONDO:0100017, OMIM 173200, MONDO:0008251.
Psoriasis 2. Identifiers: MedGen C1864497, MONDO:0011269, OMIM 602723.

Submission:

Labcorp Genetics (formerly Invitae), Labcorp
Classification: Uncertain significance for Pityriasis rubra pilaris; Psoriasis 2. Last evaluated: 2023-05-27. Review status: criteria provided, single submitter. Criteria: Invitae Variant Classification Sherloc (09022015). Collection method: clinical testing. Allele origin: germline.
Comment: In summary, the available evidence is currently insufficient to determine the role of this variant in disease. Therefore, it has been classified as a Variant of Uncertain Significance. Advanced modeling of protein sequence and biophysical properties (such as structural, functional, and spatial information, amino acid conservation, physicochemical variation, residue mobility, and thermodynamic stability) performed at Invitae indicates that this missense variant is expected to disrupt CARD14 protein function. This variant has not been reported in the literature in individuals affected with CARD14-related conditions. This variant is not present in population databases (gnomAD no frequency). This sequence change replaces aspartic acid, which is acidic and polar, with alanine, which is neutral and non-polar, at codon 961 of the CARD14 protein (p.Asp961Ala).

NM_001366385.1(CARD14):c.2882A>C (p.Asp961Ala)

Genes: CARD14 (caspase recruitment domain family member 14; plus strand), SGSH (N-sulfoglucosamine sulfohydrolase; minus strand). Cytogenetic location: 17q25.3.
Variant type: single nucleotide variant.
Coding change: c.2882A>C on transcript NM_001366385.1 (MANE Select); coding-DNA position 2882, A replaced by C.
Protein change: p.Asp961Ala; replaces aspartic acid 961 with alanine.
Molecular consequence: missense variant. On other transcripts: non-coding transcript variant (1).
Genome position (GRCh38, 1-based): chr17:80,208,212, A>C. VCF-style: chr17-80208212-A-C. GRCh37 (hg19) VCF-style: chr17-78182011-A-C.
Other names: c.2882A>C, p.Asp961Ala (NM_024110.4); short protein forms D961A.
Identifiers: ClinVar variation 2948286 (VCV002948286.3), dbSNP rs2510818103, ClinGen allele CA401357279.